The following is an entry in ClinVar:

ClinVar aggregate classification (germline): Uncertain significance (1 of 4 stars; one submission).

Conditions:
Hereditary cancer-predisposing syndrome. Also called: Hereditary Cancer Syndrome; Hereditary neoplastic syndrome; Neoplastic Syndromes, Hereditary; Tumor predisposition. Identifiers: Orphanet 140162, MedGen C0027672, MeSH D009386, MONDO:0015356.

Submission:

Ambry Genetics
Classification: Uncertain significance for Hereditary cancer-predisposing syndrome. Last evaluated: 2025-08-30. Review status: criteria provided, single submitter. Criteria: Ambry Variant Classification Scheme 2023. Collection method: clinical testing. Allele origin: germline.
Comment: The p.C1621Y variant (also known as c.4862G>A), located in coding exon 22 of the DICER1 gene, results from a G to A substitution at nucleotide position 4862. The cysteine at codon 1621 is replaced by tyrosine, an amino acid with highly dissimilar properties. This amino acid position is conserved. In addition, this alteration is predicted to be tolerated by in silico analysis. Based on the available evidence, the clinical significance of this variant remains unclear.

NM_177438.3(DICER1):c.4862G>A (p.Cys1621Tyr)

Gene: DICER1 (dicer 1, ribonuclease III; minus strand). Cytogenetic location: 14q32.13.
Variant type: single nucleotide variant.
Coding change: c.4862G>A on transcript NM_177438.3 (MANE Select); coding-DNA position 4862, G replaced by A.
Protein change: p.Cys1621Tyr; replaces cysteine 1621 with tyrosine.
Molecular consequence: missense variant. On other transcripts: non-coding transcript variant (6).
Genome position (GRCh38, 1-based): chr14:95,096,058, C>T on the plus strand (G>A on the coding strand, the complement: DICER1 is on the minus strand). VCF-style: chr14-95096058-C-T. GRCh37 (hg19) VCF-style: chr14-95562395-C-T.
Other names: c.4862G>A, p.Cys1621Tyr (NM_001395693.1, NM_001395694.1, NM_001395695.1 and 12 more transcripts); c.4457G>A, p.Cys1486Tyr (NM_001395696.1, NM_001395687.1, NM_001395688.1 and 2 more transcripts); c.3179G>A, p.Cys1060Tyr (NM_001395697.1); c.4580G>A, p.Cys1527Tyr (NM_001395686.1); c.4295G>A, p.Cys1432Tyr (NM_001395691.1); short protein forms C1621Y, C1060Y, C1432Y, C1486Y, C1527Y.
Identifiers: ClinVar variation 4240533 (VCV004240533.1).
Genomic context (GRCh38, chr14:95,096,058, plus strand): 5'-CAACCATATTCCGAGTCTTTCAATACAGAAGAGCGTGAACTGGCCACAGAAGCAGCAGCA[C>T]AGCTCACTGAAAGGTTCTTTTGTTGGCTGTTGAAATTCTCCCGAGTAGGGCACAGGGCCT-3'
Protein context (NP_803187.1, residues 1611-1631): NSQQKNLSVS[Cys1621Tyr]AAASVASSRS